The following is an entry in ClinVar:

NM_032776.3(JMJD1C):c.3085A>G (p.Ser1029Gly)

Gene: JMJD1C (jumonji domain containing 1C; minus strand). Cytogenetic location: 10q21.3.
Variant type: single nucleotide variant.
Coding change: c.3085A>G on transcript NM_032776.3 (MANE Select); coding-DNA position 3085, A replaced by G.
Protein change: p.Ser1029Gly; replaces serine 1029 with glycine.
Molecular consequence: missense variant. On other transcripts: non-coding transcript variant (1).
Genome position (GRCh38, 1-based): chr10:63,208,584, T>C on the plus strand (A>G on the coding strand, the complement: JMJD1C is on the minus strand). VCF-style: chr10-63208584-T-C. GRCh37 (hg19) VCF-style: chr10-64968344-T-C.
Other names: c.2539A>G, p.Ser847Gly (NM_001282948.2, NM_001318154.2); c.2221A>G, p.Ser741Gly (NM_001318153.2); c.2971A>G, p.Ser991Gly (NM_001322252.2); c.2428A>G, p.Ser810Gly (NM_001322254.2, NM_001322258.2); short protein forms S991G, S741G, S1029G, S810G, S847G.
Identifiers: ClinVar variation 949310 (VCV000949310.9), dbSNP rs1846944520, ClinGen allele CA377042873.

ClinVar aggregate classification (germline): Uncertain significance (1 of 4 stars; one submission).

Conditions:
Early Myoclonic Encephalopathy. Identifiers: MedGen C0270855.

Submission:

Labcorp Genetics (formerly Invitae), Labcorp
Classification: Uncertain significance for Early Myoclonic Encephalopathy. Last evaluated: 2019-04-16. Review status: criteria provided, single submitter. Criteria: Invitae Variant Classification Sherloc (09022015). Collection method: clinical testing. Allele origin: germline.
Comment: This sequence change replaces serine with glycine at codon 1029 of the JMJD1C protein (p.Ser1029Gly). The serine residue is moderately conserved and there is a small physicochemical difference between serine and glycine. This variant is not present in population databases (ExAC no frequency). This variant has not been reported in the literature in individuals with JMJD1C-related conditions. Algorithms developed to predict the effect of missense changes on protein structure and function are either unavailable or do not agree on the potential impact of this missense change (SIFT: "Deleterious"; PolyPhen-2: "Possibly Damaging"; Align-GVGD: "Class C0"). Algorithms developed to predict the effect of sequence changes on RNA splicing suggest that this variant may create or strengthen a splice site, but this prediction has not been confirmed by published transcriptional studies. In summary, the available evidence is currently insufficient to determine the role of this variant in disease. Therefore, it has been classified as a Variant of Uncertain Significance.